The following is an entry in ClinVar:

ClinVar aggregate classification (germline): Uncertain significance. Review status: criteria provided, multiple submitters, no conflicts (2 of 4 stars). 3 submissions from 3 submitters: Uncertain significance (3). Last evaluated 2025-08-02.

Conditions:
Fanconi anemia (FA). Also called: Fanconi's anemia. Identifiers: Orphanet 84, MedGen C0015625, MeSH D005199, MONDO:0019391.
Inborn genetic diseases. Identifiers: MedGen C0950123, MeSH D030342.

Allele frequency attached by ClinVar (database versions not stated): TOPMed below 0.00001; ExAC 0.00001; gnomAD 0.00001; gnomAD exomes 0.00001.
gnomAD v4.1: 6 of 1,585,426 alleles (0.00038%); highest among the groups gnomAD compares: Non-Finnish European, 0.00026%; no homozygotes.

Submissions (3):

Ambry Genetics
Classification: Uncertain significance for Inborn genetic diseases. Last evaluated: 2025-08-02. Review status: criteria provided, single submitter. Criteria: Ambry Variant Classification Scheme 2023. Collection method: clinical testing. Allele origin: germline.
Comment: The p.Q891P variant (also known as c.2672A>C), located in coding exon 14 of the FANCM gene, results from an A to C substitution at nucleotide position 2672. The glutamine at codon 891 is replaced by proline, an amino acid with similar properties. This amino acid position is conserved. In addition, this alteration is predicted to be tolerated by in silico analysis. Based on the available evidence, the clinical significance of this variant remains unclear.

Labcorp Genetics (formerly Invitae), Labcorp
Classification: Uncertain significance for Fanconi anemia. Last evaluated: 2023-11-06. Review status: criteria provided, single submitter. Criteria: Invitae Variant Classification Sherloc (09022015). Collection method: clinical testing. Allele origin: germline.
Comment: This sequence change replaces glutamine, which is neutral and polar, with proline, which is neutral and non-polar, at codon 891 of the FANCM protein (p.Gln891Pro). This variant is present in population databases (rs753820999, gnomAD 0.002%). This variant has not been reported in the literature in individuals affected with FANCM-related conditions. ClinVar contains an entry for this variant (Variation ID: 1313196). An algorithm developed to predict the effect of missense changes on protein structure and function (PolyPhen-2) suggests that this variant is likely to be tolerated. In summary, the available evidence is currently insufficient to determine the role of this variant in disease. Therefore, it has been classified as a Variant of Uncertain Significance.

GeneDx
Classification: Uncertain significance. Last evaluated: 2020-09-14. Review status: criteria provided, single submitter. Criteria: GeneDx Variant Classification Process June 2021. Collection method: clinical testing. Allele origin: germline. Affected: yes.
Comment: Not observed at a significant frequency in large population cohorts (Lek 2016); In silico analysis supports that this missense variant has a deleterious effect on protein structure/function; Has not been previously published as pathogenic or benign to our knowledge

NM_020937.4(FANCM):c.2672A>C (p.Gln891Pro)

Gene: FANCM (FA complementation group M; plus strand). Cytogenetic location: 14q21.2.
Variant type: single nucleotide variant.
Coding change: c.2672A>C on transcript NM_020937.4 (MANE Select); coding-DNA position 2672, A replaced by C.
Protein change: p.Gln891Pro; replaces glutamine 891 with proline.
Molecular consequence: missense variant.
Genome position (GRCh38, 1-based): chr14:45,175,426, A>C. VCF-style: chr14-45175426-A-C. GRCh37 (hg19) VCF-style: chr14-45644629-A-C.
Other names: c.2594A>C, p.Gln865Pro (NM_001308133.2); short protein forms Q865P, Q891P.
Identifiers: ClinVar variation 1313196 (VCV001313196.6), dbSNP rs753820999, ClinGen allele CA7169387.